The following is an entry in ClinVar:

NM_013296.5(GPSM2):c.666_670dup (p.Ala224delinsValTer)

Gene: GPSM2 (G protein signaling modulator 2; plus strand). Cytogenetic location: 1p13.3.
Variant type: Duplication.
Coding change: c.666_670dup on transcript NM_013296.5 (MANE Select); coding-DNA positions 666 to 670, 5 bases duplicated (TATAG; older notation c.666_670dupTATAG).
Protein change: p.Ala224delinsValTer.
Molecular consequence: nonsense.
Genome position (GRCh38, 1-based): chr1:108,898,750-108,898,754, TATAG duplicated. VCF-style (leftmost placement, unchanged base first): chr1-108898749-T-TTATAG. GRCh37 (hg19) VCF-style: chr1-109441371-T-TTATAG.
Other names: c.666_670dup, p.Ala224delinsValTer (NM_001321038.2, NM_001321039.3).
Identifiers: ClinVar variation 4737904 (VCV004737904.1).

ClinVar aggregate classification (germline): Pathogenic (1 of 4 stars; one submission).

Submission:

Labcorp Genetics (formerly Invitae), Labcorp
Classification: Pathogenic. Last evaluated: 2025-08-19. Review status: criteria provided, single submitter. Criteria: Invitae Variant Classification Sherloc (09022015). Collection method: clinical testing. Allele origin: germline.
Comment: This sequence change creates a premature translational stop signal (p.Ala224Valfs*2) in the GPSM2 gene. It is expected to result in an absent or disrupted protein product. Loss-of-function variants in GPSM2 are known to be pathogenic (PMID: 22578326, 22987632). This variant is present in population databases (rs768000153, gnomAD 0.01%). This variant has not been reported in the literature in individuals affected with GPSM2-related conditions. Algorithms developed to predict the effect of sequence changes on RNA splicing suggest that this variant may disrupt the consensus splice site. For these reasons, this variant has been classified as Pathogenic.

Literature cited by the submitters: PubMed 22578326; PubMed 22987632.